The following is an entry in ClinVar:

ClinVar aggregate classification (germline): Likely pathogenic (1 of 4 stars; one submission).

Conditions:
Very long chain acyl-CoA dehydrogenase deficiency (ACADVLD). Also called: VLCAD Deficiency; Very Long-Chain Acyl-Coenzyme A Dehydrogenase Deficiency. Identifiers: Orphanet 26793, MedGen C3887523, MONDO:0008723, OMIM 201475.

Submission:

Natera, Inc.
Classification: Likely pathogenic for Very long chain acyl-CoA dehydrogenase deficiency. Last evaluated: 2025-03-03. Review status: criteria provided, single submitter. Criteria: Natera Variant Classification Schema (03/2026). Collection method: clinical testing. Allele origin: germline.
Comment: The c.493_499dup variant in ACADVL is a frameshift variant predicted to shift the reading frame beginning at codon 167 and leads to a stop codon 7 codons downstream. This variant is expected to result in nonsense mediated decay, truncation, or a dysfunctional protein product. This variant is rare in the general population with a frequency below the threshold expected for the associated phenotype(s). Given the available evidence, this variant is classified as Likely Pathogenic.

NM_000018.4(ACADVL):c.493_499dup (p.Val167fs)

Gene: ACADVL (acyl-CoA dehydrogenase very long chain; plus strand). Cytogenetic location: 17p13.1.
Variant type: Duplication.
Coding change: c.493_499dup on transcript NM_000018.4 (MANE Select); coding-DNA positions 493 to 499, 7 bases duplicated (GAGATCG; older notation c.493_499dupGAGATCG).
Protein change: p.Val167fs; shifts the reading frame from valine 167.
Molecular consequence: frameshift variant.
Genome position (GRCh38, 1-based): chr17:7,221,553-7,221,559, GAGATCG duplicated; duplicating any 7 consecutive bases within chr17:7,221,552-7,221,559 gives the same sequence; the c. name uses the placement nearest the transcript's 3' end. VCF-style (leftmost placement, unchanged base first): chr17-7221551-T-TGGAGATC. GRCh37 (hg19) VCF-style: chr17-7124870-T-TGGAGATC.
Other names: c.427_433dup, p.Val145fs (NM_001033859.3); c.562_568dup, p.Val190fs (NM_001270447.2); c.265_271dup, p.Val91fs (NM_001270448.2); short protein forms V145fs, V167fs, V190fs, V91fs.
Identifiers: ClinVar variation 4065182 (VCV004065182.2).
Genomic context (GRCh38, chr17:7,221,551, plus strand): 5'-GTCCCCCTGCAGCCAGTGACAACCCCAGATTCCTGCTTCCCCTCCAGTACGCCCGTTTGG[T>TGGAGATC]GGAGATCGTGGGCATGCATGACCTTGGCGTGGGCATTACCCTGGGGGCCCATCAGAGCAT-3'